The following is an entry in ClinVar:

ClinVar aggregate classification (germline): Likely benign. Review status: criteria provided, multiple submitters, no conflicts (2 of 4 stars). 2 submissions from 2 submitters: Likely benign (2). Last evaluated 2025-09-14.

Allele frequency attached by ClinVar (database versions not stated): ExAC 0.00007; gnomAD 0.00007 and 0.00008; TOPMed 0.00007; ESP Exome Variant Server 0.00008; gnomAD exomes 0.00011.
gnomAD v4.1: 101 of 1,613,106 alleles (0.0063%); highest among the groups gnomAD compares: Non-Finnish European, 0.0033%; no homozygotes.

Submissions (2):

Labcorp Genetics (formerly Invitae), Labcorp
Classification: Likely benign. Last evaluated: 2025-09-14. Review status: criteria provided, single submitter. Criteria: Invitae Variant Classification Sherloc (09022015). Collection method: clinical testing. Allele origin: germline.

CeGaT Center for Human Genetics Tuebingen
Classification: Likely benign. Last evaluated: 2024-01-01. Review status: criteria provided, single submitter. Criteria: CeGaT Center For Human Genetics Tuebingen Variant Classification Criteria Version 2. Collection method: clinical testing. Allele origin: germline. Affected: yes. Observed: 1 variant allele.
Comment: LAMC3: BP4

NM_006059.4(LAMC3):c.2649G>A (p.Val883=)

Gene: LAMC3 (laminin subunit gamma 3; plus strand). Cytogenetic location: 9q34.12.
Variant type: single nucleotide variant.
Coding change: c.2649G>A on transcript NM_006059.4 (MANE Select); coding-DNA position 2649, G replaced by A.
Protein change: p.Val883=; no amino-acid change (valine 883 retained).
Molecular consequence: synonymous variant.
Genome position (GRCh38, 1-based): chr9:131,068,133, G>A. VCF-style: chr9-131068133-G-A. GRCh37 (hg19) VCF-style: chr9-133943520-G-A.
Identifiers: ClinVar variation 1549073 (VCV001549073.30), dbSNP rs143175021, ClinGen allele CA5287521.